The following is an entry in ClinVar:

NM_000786.4(CYP51A1):c.270del (p.Phe90_Leu91insTer)

Gene: CYP51A1 (cytochrome P450 family 51 subfamily A member 1; minus strand). Cytogenetic location: 7q21.2.
Variant type: Deletion.
Coding change: c.270del on transcript NM_000786.4 (MANE Select); coding-DNA position 270, one base deleted (T; older notation c.270delT).
Protein change: p.Phe90_Leu91insTer.
Molecular consequence: frameshift variant. On other transcripts: 5 prime UTR variant (1).
Genome position (GRCh38, 1-based): chr7:92,131,795, A deleted on the plus strand (T on the coding strand, the reverse complement: CYP51A1 is on the minus strand); the first of 3 consecutive A bases (chr7:92,131,795-92,131,797); deleting any one gives the same sequence. VCF-style (leftmost placement, unchanged base first): chr7-92131794-GA-G. GRCh37 (hg19) VCF-style: chr7-91761108-GA-G.
Other names: c.-46del (NM_001146152.2).
Identifiers: ClinVar variation 2990039 (VCV002990039.3), dbSNP rs2535377392, ClinGen allele CA2740097390.

ClinVar aggregate classification (germline): Uncertain significance (1 of 4 stars; one submission).

Submission:

Labcorp Genetics (formerly Invitae), Labcorp
Classification: Uncertain significance. Last evaluated: 2023-06-20. Review status: criteria provided, single submitter. Criteria: Invitae Variant Classification Sherloc (09022015). Collection method: clinical testing. Allele origin: germline.
Comment: In summary, the available evidence is currently insufficient to determine the role of this variant in disease. Therefore, it has been classified as a Variant of Uncertain Significance. This variant has not been reported in the literature in individuals affected with CYP51A1-related conditions. This variant is not present in population databases (gnomAD no frequency). This sequence change creates a premature translational stop signal (p.Leu91*) in the CYP51A1 gene. It is expected to result in an absent or disrupted protein product. However, the current clinical and genetic evidence is not sufficient to establish whether loss-of-function variants in CYP51A1 cause disease.